The following is an entry in ClinVar:

ClinVar aggregate classification (germline): Uncertain significance (1 of 4 stars; one submission).

Conditions:
Perlman syndrome (PRLMNS). Identifiers: Orphanet 2849, MedGen C0796113, MONDO:0009965, OMIM 267000.

Submission:

Labcorp Genetics (formerly Invitae), Labcorp
Classification: Uncertain significance for Perlman syndrome. Last evaluated: 2023-02-27. Review status: criteria provided, single submitter. Criteria: Invitae Variant Classification Sherloc (09022015). Collection method: clinical testing. Allele origin: germline.
Comment: This sequence change replaces aspartic acid, which is acidic and polar, with valine, which is neutral and non-polar, at codon 682 of the DIS3L2 protein (p.Asp682Val). This variant is not present in population databases (gnomAD no frequency). This variant has not been reported in the literature in individuals affected with DIS3L2-related conditions. Advanced modeling of protein sequence and biophysical properties (such as structural, functional, and spatial information, amino acid conservation, physicochemical variation, residue mobility, and thermodynamic stability) performed at Invitae indicates that this missense variant is not expected to disrupt DIS3L2 protein function. In summary, the available evidence is currently insufficient to determine the role of this variant in disease. Therefore, it has been classified as a Variant of Uncertain Significance.

NM_152383.5(DIS3L2):c.2045A>T (p.Asp682Val)

Gene: DIS3L2 (DIS3 like 3'-5' exoribonuclease 2; plus strand). Cytogenetic location: 2q37.1.
Variant type: single nucleotide variant.
Coding change: c.2045A>T on transcript NM_152383.5 (MANE Select); coding-DNA position 2045, A replaced by T.
Protein change: p.Asp682Val; replaces aspartic acid 682 with valine.
Molecular consequence: missense variant. On other transcripts: non-coding transcript variant (2), intron variant (1).
Genome position (GRCh38, 1-based): chr2:232,333,874, A>T. VCF-style: chr2-232333874-A-T. GRCh37 (hg19) VCF-style: chr2-233198584-A-T.
Other names: c.1582-9471A>T (NM_001257281.2); short protein forms D682V.
Identifiers: ClinVar variation 2841234 (VCV002841234.3), dbSNP rs2469446364, ClinGen allele CA350977363.